The following is an entry in ClinVar:

ClinVar aggregate classification (germline): Pathogenic (1 of 4 stars; one submission).

Conditions:
alpha Thalassemia. Also called: Alpha thalassemia spectrum. Identifiers: Orphanet 846, MedGen C0002312, MONDO:0011399, OMIM 604131.

Submission:

Natera, Inc.
Classification: Pathogenic for Alpha thalassemia. Last evaluated: 2025-03-31. Review status: criteria provided, single submitter. Criteria: Natera Variant Classification Schema (03/2026). Collection method: clinical testing. Allele origin: germline.
Comment: The c.163del variant in HBA2 is a frameshift variant predicted to shift the reading frame beginning at codon 55 and leads to a stop codon 13 codons downstream. This variant is expected to result in nonsense mediated decay, truncation, or a dysfunctional protein product. This variant is rare in the general population with a frequency below the threshold expected for the associated phenotype(s). This variant has been observed in one or more individuals affected with the associated recessive disease, as either homozygous or compound heterozygous with a second variant (PMID: 24018802). Given the available evidence, this variant is classified as Pathogenic.

Literature cited by the submitters: PubMed 24018802.

NM_000517.6(HBA2):c.163del (p.Gln55fs)

Genes: HBA2 (hemoglobin subunit alpha 2; plus strand), LOC106804612 (hemoglobin subunit alpha 2 recombination region; plus strand). Cytogenetic location: 16p13.3.
Variant type: Deletion.
Coding change: c.163del on transcript NM_000517.6 (MANE Select); coding-DNA position 163, one base deleted (C; older notation c.163delC).
Protein change: p.Gln55fs; shifts the reading frame from glutamine 55.
Molecular consequence: frameshift variant.
Genome position (GRCh38, 1-based): chr16:173,192, C deleted; the last of 3 consecutive C bases (chr16:173,190-173,192); deleting any one gives the same sequence. VCF-style (leftmost placement, unchanged base first): chr16-173189-GC-G. GRCh37 (hg19) VCF-style: chr16-223188-GC-G.
Other names: short protein forms Q55fs.
Identifiers: ClinVar variation 4069082 (VCV004069082.2).